The following is an entry in ClinVar:

ClinVar aggregate classification (germline): Uncertain significance. Review status: criteria provided, multiple submitters, no conflicts (2 of 4 stars). 3 submissions from 3 submitters: Uncertain significance (3). Last evaluated 2024-10-15.

Conditions:
Cardiovascular phenotype. Identifiers: MedGen CN230736.

Allele frequency attached by ClinVar (database versions not stated): gnomAD 0.00002; gnomAD exomes 0.00002 and 0.00003; TOPMed 0.00003.
gnomAD v4.1: 44 of 1,550,098 alleles (0.0028%); highest among the groups gnomAD compares: African/African-American, 0.0068%; no homozygotes.

Submissions (3):

Labcorp Genetics (formerly Invitae), Labcorp
Classification: Uncertain significance. Last evaluated: 2024-10-15. Review status: criteria provided, single submitter. Criteria: Invitae Variant Classification Sherloc (09022015). Collection method: clinical testing. Allele origin: germline.
Comment: This sequence change replaces proline, which is neutral and non-polar, with leucine, which is neutral and non-polar, at codon 2131 of the ZNF469 protein (p.Pro2131Leu). This variant is present in population databases (no rsID available, gnomAD 0.01%). This variant has not been reported in the literature in individuals affected with ZNF469-related conditions. ClinVar contains an entry for this variant (Variation ID: 1377932). An algorithm developed to predict the effect of missense changes on protein structure and function outputs the following: PolyPhen-2: "Possibly Damaging". The leucine amino acid residue is found in multiple mammalian species, which suggests that this missense change does not adversely affect protein function. In summary, the available evidence is currently insufficient to determine the role of this variant in disease. Therefore, it has been classified as a Variant of Uncertain Significance.

GeneDx
Classification: Uncertain significance. Last evaluated: 2024-07-03. Review status: criteria provided, single submitter. Criteria: GeneDx Variant Classification Process June 2021. Collection method: clinical testing. Allele origin: germline. Affected: yes.
Comment: Not observed at significant frequency in large population cohorts (gnomAD); In silico analysis indicates that this missense variant does not alter protein structure/function; Has not been previously published as pathogenic or benign to our knowledge

Ambry Genetics
Classification: Uncertain significance for Cardiovascular phenotype. Last evaluated: 2023-05-23. Review status: criteria provided, single submitter. Criteria: Ambry Variant Classification Scheme 2023. Collection method: clinical testing. Allele origin: germline.

NM_001367624.2(ZNF469):c.6476C>T (p.Pro2159Leu)

Gene: ZNF469 (zinc finger protein 469; plus strand). Cytogenetic location: 16q24.2.
Variant type: single nucleotide variant.
Coding change: c.6476C>T on transcript NM_001367624.2 (MANE Select); coding-DNA position 6476, C replaced by T.
Protein change: p.Pro2159Leu; replaces proline 2159 with leucine.
Molecular consequence: missense variant.
Genome position (GRCh38, 1-based): chr16:88,433,946, C>T. VCF-style: chr16-88433946-C-T. GRCh37 (hg19) VCF-style: chr16-88500354-C-T.
Other names: NM_001127464.1:c.6392C>T; short protein forms P2159L.
Identifiers: ClinVar variation 1377932 (VCV001377932.6), dbSNP rs1023878495, ClinGen allele CA286381639.